The following is an entry in ClinVar:

ClinVar aggregate classification (germline): Uncertain significance (1 of 4 stars; one submission).

Conditions:
Multiple congenital exostosis (EXT). Also called: Multiple exostoses; Multiple osteochondromas; MULTIPLE CARTILAGINOUS EXOSTOSES; Hereditary multiple osteochondromas; Hereditary multiple exostoses; Hereditary multiple exostosis. Identifiers: Orphanet 321, MedGen C0015306, MONDO:0005508, HP:0002762.

gnomAD v4.1: 18 of 1,614,130 alleles (0.0011%); highest among the groups gnomAD compares: East Asian, 0.0022%; no homozygotes.

Submission:

Labcorp Genetics (formerly Invitae), Labcorp
Classification: Uncertain significance for Multiple congenital exostosis. Last evaluated: 2022-07-17. Review status: criteria provided, single submitter. Criteria: Invitae Variant Classification Sherloc (09022015). Collection method: clinical testing. Allele origin: germline.
Comment: In summary, the available evidence is currently insufficient to determine the role of this variant in disease. Therefore, it has been classified as a Variant of Uncertain Significance. Algorithms developed to predict the effect of missense changes on protein structure and function are either unavailable or do not agree on the potential impact of this missense change (SIFT: "Deleterious"; PolyPhen-2: "Benign"; Align-GVGD: "Class C0"). This variant has not been reported in the literature in individuals affected with EXT1-related conditions. This variant is present in population databases (no rsID available, gnomAD 0.0009%). This sequence change replaces isoleucine, which is neutral and non-polar, with threonine, which is neutral and polar, at codon 539 of the EXT1 protein (p.Ile539Thr).

NM_000127.3(EXT1):c.1616T>C (p.Ile539Thr)

Gene: EXT1 (exostosin glycosyltransferase 1; minus strand). Cytogenetic location: 8q24.11.
Variant type: single nucleotide variant.
Coding change: c.1616T>C on transcript NM_000127.3 (MANE Select); coding-DNA position 1616, T replaced by C.
Protein change: p.Ile539Thr; replaces isoleucine 539 with threonine.
Molecular consequence: missense variant.
Genome position (GRCh38, 1-based): chr8:117,818,451, A>G on the plus strand (T>C on the coding strand, the complement: EXT1 is on the minus strand). VCF-style: chr8-117818451-A-G. GRCh37 (hg19) VCF-style: chr8-118830690-A-G.
Other names: short protein forms I539T.
Identifiers: ClinVar variation 2170501 (VCV002170501.4), dbSNP rs779357756, ClinGen allele CA371883080.
Genomic context (GRCh38, chr8:117,818,451, plus strand): 5'-AGGCTCCACAGTGGTTCCACATATAGGTCCCCTTCGAGTCTTACCTTGCTCTCTCCTTCA[A>G]TGACGACGACAGGCACAGCAGTGGCAGGCCAGCGGTGTTTGGCTGGTAGGGGCTTGTCAC-3'
Protein context (NP_000118.2, residues 529-549): WPATAVPVVV[Ile539Thr]EGESKVMSSR